The following is an entry in ClinVar:

NM_024598.4(USB1):c.599C>G (p.Thr200Ser)

Gene: USB1 (U6 snRNA biogenesis phosphodiesterase 1; plus strand). Cytogenetic location: 16q21.
Variant type: single nucleotide variant.
Coding change: c.599C>G on transcript NM_024598.4 (MANE Select); coding-DNA position 599, C replaced by G.
Protein change: p.Thr200Ser; replaces threonine 200 with serine.
Molecular consequence: missense variant.
Genome position (GRCh38, 1-based): chr16:58,017,429, C>G. VCF-style: chr16-58017429-C-G. GRCh37 (hg19) VCF-style: chr16-58051333-C-G.
Other names: c.545C>G, p.Thr182Ser (NM_001195302.2); c.446C>G, p.Thr149Ser (NM_001330568.2); short protein forms T200S, T182S, T149S.
Identifiers: ClinVar variation 2889531 (VCV002889531.4), dbSNP rs764715431, ClinGen allele CA8084981.

ClinVar aggregate classification (germline): Uncertain significance. Review status: criteria provided, multiple submitters, no conflicts (2 of 4 stars). 2 submissions from 2 submitters: Uncertain significance (2). Last evaluated 2025-04-25.

Conditions:
Inborn genetic diseases. Identifiers: MedGen C0950123, MeSH D030342.

Allele frequency attached by ClinVar (database versions not stated): ExAC 0.00001; gnomAD exomes 0.00001.
gnomAD v4.1: 5 of 1,614,016 alleles (0.00031%); highest among the groups gnomAD compares: South Asian, 0.0033%; no homozygotes.

Submissions (2):

Ambry Genetics
Classification: Uncertain significance for Inborn genetic diseases. Last evaluated: 2025-04-25. Review status: criteria provided, single submitter. Criteria: Ambry Variant Classification Scheme 2023. Collection method: clinical testing. Allele origin: germline.
Comment: The p.T200S variant (also known as c.599C>G), located in coding exon 5 of the USB1 gene, results from a C to G substitution at nucleotide position 599. The threonine at codon 200 is replaced by serine, an amino acid with similar properties. This amino acid position is conserved. In addition, this alteration is predicted to be tolerated by in silico analysis. Based on the available evidence, the clinical significance of this variant remains unclear.

Labcorp Genetics (formerly Invitae), Labcorp
Classification: Uncertain significance. Last evaluated: 2022-11-12. Review status: criteria provided, single submitter. Criteria: Invitae Variant Classification Sherloc (09022015). Collection method: clinical testing. Allele origin: germline.
Comment: This sequence change replaces threonine, which is neutral and polar, with serine, which is neutral and polar, at codon 200 of the USB1 protein (p.Thr200Ser). This variant is present in population databases (rs764715431, gnomAD 0.003%). This variant has not been reported in the literature in individuals affected with USB1-related conditions. Advanced modeling of protein sequence and biophysical properties (such as structural, functional, and spatial information, amino acid conservation, physicochemical variation, residue mobility, and thermodynamic stability) performed at Invitae indicates that this missense variant is not expected to disrupt USB1 protein function. In summary, the available evidence is currently insufficient to determine the role of this variant in disease. Therefore, it has been classified as a Variant of Uncertain Significance.